The following is an entry in ClinVar:

ClinVar aggregate classification (germline): Pathogenic (1 of 4 stars; one submission).

Conditions:
Cornelia de Lange syndrome 1 (CDLS1). Also called: Brachmann de Lange syndrome; NIPBL-Related Cornelia de Lange Syndrome; TYPUS DEGENERATIVUS AMSTELODAMENSIS. Identifiers: Orphanet 199, MedGen C4551851, MONDO:0007387, OMIM 122470.

Submission:

Labcorp Genetics (formerly Invitae), Labcorp
Classification: Pathogenic for Cornelia de Lange syndrome 1. Last evaluated: 2022-08-12. Review status: criteria provided, single submitter. Criteria: Invitae Variant Classification Sherloc (09022015). Collection method: clinical testing. Allele origin: germline.
Comment: For these reasons, this variant has been classified as Pathogenic. This variant disrupts the c.4320+5G nucleotide in the NIPBL gene. Other variant(s) that disrupt this nucleotide have been determined to be pathogenic (PMID: 24038889). This suggests that this nucleotide is clinically significant, and that variants that disrupt this position are likely to be disease-causing. Variants that disrupt the consensus splice site are a relatively common cause of aberrant splicing (PMID: 17576681, 9536098). Algorithms developed to predict the effect of sequence changes on RNA splicing suggest that this variant may disrupt the consensus splice site. This variant has been observed in individual(s) with Cornelia de Lange syndrome (Invitae). In at least one individual the variant was observed to be de novo. This variant is not present in population databases (gnomAD no frequency). This sequence change falls in intron 19 of the NIPBL gene. It does not directly change the encoded amino acid sequence of the NIPBL protein. It affects a nucleotide within the consensus splice site.

Literature cited by the submitters: PubMed 24038889; PubMed 17576681; PubMed 9536098.

NM_133433.4(NIPBL):c.4320+5G>A

Gene: NIPBL (NIPBL cohesin loading factor; plus strand). Cytogenetic location: 5p13.2.
Variant type: single nucleotide variant.
Coding change: c.4320+5G>A on transcript NM_133433.4 (MANE Select); 5 bases into the intron after coding-DNA position 4320, G replaced by A.
Molecular consequence: intron variant.
Genome position (GRCh38, 1-based): chr5:37,008,093, G>A. VCF-style: chr5-37008093-G-A. GRCh37 (hg19) VCF-style: chr5-37008195-G-A.
Other names: c.4320+5G>A (NM_015384.5).
Identifiers: ClinVar variation 2009333 (VCV002009333.4), dbSNP rs2478166905, ClinGen allele CA2580073215.